The following is an entry in ClinVar:

NM_144508.5(KNL1):c.2676T>C (p.Asp892=)

Gene: KNL1 (kinetochore scaffold 1; plus strand). Cytogenetic location: 15q15.1.
Variant type: single nucleotide variant.
Coding change: c.2676T>C on transcript NM_144508.5 (MANE Select); coding-DNA position 2676, T replaced by C.
Protein change: p.Asp892=; no amino-acid change (aspartic acid 892 retained).
Molecular consequence: synonymous variant.
Genome position (GRCh38, 1-based): chr15:40,622,940, T>C. VCF-style: chr15-40622940-T-C. GRCh37 (hg19) VCF-style: chr15-40915138-T-C.
Other names: c.2754T>C (NM_170589.4); c.2754T>C, p.Asp918= (NM_170589.5).
Identifiers: ClinVar variation 885557 (VCV000885557.6), dbSNP rs374301092, ClinGen allele CA7482901.

ClinVar aggregate classification (germline): Uncertain significance. Review status: criteria provided, single submitter (1 of 4 stars). 2 submissions from 2 submitters: Uncertain significance (1). 1 of the submissions does not count toward it. Last evaluated 2018-01-13.

Conditions:
Microcephaly 4, primary, autosomal recessive. Identifiers: Orphanet 2512, MedGen C1858516, MONDO:0011437, OMIM 604321.
KNL1-related disorder. Also called: KNL1-related condition.

Allele frequency attached by ClinVar (database versions not stated): ExAC 0.00001; gnomAD exomes 0.00004 and 0.00010; ESP Exome Variant Server 0.00008; gnomAD 0.00009; TOPMed 0.00014.
gnomAD v4.1: 149 of 1,613,376 alleles (0.0092%); highest among the groups gnomAD compares: Admixed American, 0.02%; no homozygotes.

Submissions (2):

Illumina Laboratory Services, Illumina
Classification: Uncertain significance for Microcephaly 4, primary, autosomal recessive. Last evaluated: 2018-01-13. Review status: criteria provided, single submitter. Criteria: ICSL Variant Classification Criteria 13 December 2019. Collection method: clinical testing. Allele origin: germline.

PreventionGenetics, part of Exact Sciences
Classification: Likely benign for KNL1-related condition. Last evaluated: 2019-07-18. Review status: no assertion criteria provided. Collection method: clinical testing. Allele origin: germline. Not counted in ClinVar's aggregate classification.
Comment: This variant is classified as likely benign based on ACMG/AMP sequence variant interpretation guidelines (Richards et al. 2015 PMID: 25741868, with internal and published modifications).